The following is an entry in ClinVar:

ClinVar aggregate classification (germline): Uncertain significance. Review status: criteria provided, multiple submitters, no conflicts (2 of 4 stars). 2 submissions from 2 submitters: Uncertain significance (2). Last evaluated 2025-04-26.

Conditions:
VCAN-related disorder. Also called: VCAN-related condition.

Allele frequency attached by ClinVar (database versions not stated): ExAC 0.00001; gnomAD 0.00001; gnomAD exomes 0.00001; TOPMed 0.00002.
gnomAD v4.1: 5 of 1,613,802 alleles (0.00031%); highest among the groups gnomAD compares: Admixed American, 0.0083%; no homozygotes.

Submissions (2):

Labcorp Genetics (formerly Invitae), Labcorp
Classification: Uncertain significance. Last evaluated: 2025-04-26. Review status: criteria provided, single submitter. Criteria: Invitae Variant Classification Sherloc (09022015). Collection method: clinical testing. Allele origin: germline.
Comment: This sequence change replaces valine, which is neutral and non-polar, with isoleucine, which is neutral and non-polar, at codon 720 of the VCAN protein (p.Val720Ile). This variant is present in population databases (rs767840593, gnomAD 0.006%). This variant has not been reported in the literature in individuals affected with VCAN-related conditions. ClinVar contains an entry for this variant (Variation ID: 961689). An algorithm developed to predict the effect of missense changes on protein structure and function (PolyPhen-2) suggests that this variant is likely to be tolerated. In summary, the available evidence is currently insufficient to determine the role of this variant in disease. Therefore, it has been classified as a Variant of Uncertain Significance.

PreventionGenetics, part of Exact Sciences
Classification: Uncertain significance for VCAN-related condition. Last evaluated: 2024-12-21. Review status: criteria provided, single submitter. Criteria: ACMG Guidelines, 2015. Collection method: clinical testing. Allele origin: germline.
Comment: The VCAN c.2158G>A variant is predicted to result in the amino acid substitution p.Val720Ile. To our knowledge, this variant has not been reported in the literature. This variant is reported in 0.0087% of alleles in individuals of Latino descent in gnomAD. At this time, the clinical significance of this variant is uncertain due to the absence of conclusive functional and genetic evidence.

NM_004385.5(VCAN):c.2158G>A (p.Val720Ile)

Gene: VCAN (versican; plus strand). Cytogenetic location: 5q14.3.
Variant type: single nucleotide variant.
Coding change: c.2158G>A on transcript NM_004385.5 (MANE Select); coding-DNA position 2158, G replaced by A.
Protein change: p.Val720Ile; replaces valine 720 with isoleucine.
Molecular consequence: missense variant. On other transcripts: intron variant (2).
Genome position (GRCh38, 1-based): chr5:83,520,464, G>A. VCF-style: chr5-83520464-G-A. GRCh37 (hg19) VCF-style: chr5-82816283-G-A.
Other names: c.2158G>A, p.Val720Ile (NM_001164098.2); c.1042+8068G>A (NM_001164097.2, NM_001126336.3); short protein forms V720I.
Identifiers: ClinVar variation 961689 (VCV000961689.10), dbSNP rs767840593, ClinGen allele CA3332799.